The following is an entry in ClinVar:

NM_001009944.3(PKD1):c.2677_2678del (p.Leu893fs)

Gene: PKD1 (polycystin 1, transient receptor potential channel interacting; minus strand). Cytogenetic location: 16p13.3.
Variant type: Deletion.
Coding change: c.2677_2678del on transcript NM_001009944.3 (MANE Select); coding-DNA positions 2677 to 2678, 2 bases deleted (CT; older notation c.2677_2678delCT).
Protein change: p.Leu893fs; shifts the reading frame from leucine 893.
Molecular consequence: frameshift variant.
Genome position (GRCh38, 1-based): chr16:2,114,345-2,114,346, AG deleted on the plus strand (CT on the coding strand, the reverse complement: PKD1 is on the minus strand). VCF-style (leftmost placement, unchanged base first): chr16-2114344-CAG-C. GRCh37 (hg19) VCF-style: chr16-2164345-CAG-C.
Other names: c.2677_2678del, p.Leu893fs (NM_000296.4); short protein forms L893fs.
Identifiers: ClinVar variation 586262 (VCV000586262.13), dbSNP rs1567210080, ClinGen allele CA891844389.

ClinVar aggregate classification (germline): Pathogenic/Likely pathogenic. Review status: criteria provided, multiple submitters, no conflicts (2 of 4 stars). 4 submissions from 4 submitters: Pathogenic (3); Likely pathogenic (1). Last evaluated 2024-01-23.

Conditions:
Polycystic kidney disease, adult type (PKD1). Also called: Polycystic Kidney, Autosomal Dominant; Polycystic Kidney Disease 1, Autosomal Dominant; Polycystic kidney disease 1; Polycystic kidney disease 1, severe; POLYCYSTIC KIDNEY DISEASE, ADULT, TYPE I; POLYCYSTIC KIDNEY DISEASE 1 WITH OR WITHOUT POLYCYSTIC LIVER DISEASE. Identifiers: MedGen C3149841, MONDO:0008263, OMIM 173900.
PKD1-related disorder. Also called: PKD1-related condition.

Submissions (4):

GeneDx
Classification: Pathogenic. Last evaluated: 2024-01-23. Review status: criteria provided, single submitter. Criteria: GeneDx Variant Classification Process June 2021. Collection method: clinical testing. Allele origin: germline. Affected: yes.
Comment: Frameshift variant predicted to result in protein truncation or nonsense mediated decay in a gene for which loss-of-function is a known mechanism of disease; Not observed in large population cohorts (gnomAD); This variant is associated with the following publications: (PMID: 36938073)

Blueprint Genetics
Classification: Likely pathogenic for PKD1-related disorders. Last evaluated: 2019-07-10. Review status: criteria provided, single submitter. Criteria: ACMG Guidelines, 2015. Collection method: clinical testing. Allele origin: germline. Affected: yes. Observed: 1 variant allele.

ARUP Laboratories, Molecular Genetics and Genomics, ARUP Laboratories
Classification: Pathogenic for Polycystic kidney disease, adult type. Last evaluated: 2019-05-29. Review status: criteria provided, single submitter. Criteria: ARUP Molecular Germline Variant Investigation Process. Collection method: clinical testing. Allele origin: germline.
Comment: The PKD1 c.2677_2678delCT; p.Leu893fs variant, to our knowledge, is not described in the medical literature but contains an entry in ClinVar (Variation ID: 586262). It is absent from general population databases (Exome Variant Server and Genome Aggregation Database), indicating it is not a common polymorphism. This variant causes a frameshift by deleting 2 nucleotides, so it is predicted to result in a truncated protein or mRNA subject to nonsense-mediated decay. Additionally, several downstream truncating variants have been described in individuals affected with autosomal dominant polycystic kidney disease (ADPKD; Audrezet 2012, Rossetti 2007). Based on available information, the p.Leu893fs variant is considered pathogenic. REFERENCES Audrezet M et al. Autosomal dominant polycystic kidney disease: comprehensive mutation analysis of PKD1 and PKD2 in 700 unrelated patients. Hum Mutat. 2012 Aug;33(8):1239-50. Rossetti S et al. Comprehensive molecular diagnostics in autosomal dominant polycystic kidney disease. J Am Soc Nephrol. 2007 Jul;18(7):2143-60.

Athena Diagnostics
Classification: Pathogenic. Last evaluated: 2018-07-17. Review status: criteria provided, single submitter. Criteria: Athena Diagnostics Criteria. Collection method: clinical testing. Allele origin: germline.